The following is an entry in ClinVar:

ClinVar aggregate classification (germline): Pathogenic. Review status: criteria provided, single submitter (1 of 4 stars). 2 submissions from 1 submitter: Pathogenic (1). 1 of the submissions does not count toward it. Last evaluated 2024-03-25.

Conditions:
Alkuraya-Kucinskas syndrome. Identifiers: Orphanet 610569, MedGen C4693347, MONDO:0060631, OMIM 617822.

Submissions (2):

Genomic Medicine Center of Excellence, King Faisal Specialist Hospital and Research Centre
Classification: Pathogenic for Alkuraya-Kucinskas syndrome. Last evaluated: 2024-03-25. Review status: criteria provided, single submitter. Criteria: ACMG Guidelines, 2015. Collection method: clinical testing. Allele origin: germline.

Genomic Medicine Center of Excellence, King Faisal Specialist Hospital and Research Centre
Classification: Pathogenic for Alkuraya-Kucinskas syndrome. Last evaluated: 2021-04-29. Review status: flagged submission. Collection method: research. Allele origin: germline. Affected: no. Not counted in ClinVar's aggregate classification.
ClinVar note: Reason: This record appears to be redundant with a more recent record from the same submitter.
ClinVar note: Notes: SCV001870487 appears to be redundant with SCV004805969.

NM_001384125.1(BLTP1):c.12331G>T (p.Glu4111Ter)

Gene: BLTP1 (bridge-like lipid transfer protein family member 1; plus strand). Cytogenetic location: 4q27.
Variant type: single nucleotide variant.
Coding change: c.12331G>T on transcript NM_001384125.1 (MANE Select); coding-DNA position 12331, G replaced by T.
Protein change: p.Glu4111Ter; replaces glutamic acid 4111 with a stop codon.
Molecular consequence: nonsense.
Genome position (GRCh38, 1-based): chr4:122,336,937, G>T. VCF-style: chr4-122336937-G-T. GRCh37 (hg19) VCF-style: chr4-123258092-G-T.
Other names: c.12067G>T, p.Glu4023Ter (NM_015312.4); short protein forms E4023*, E4111*.
Identifiers: ClinVar variation 1252048 (VCV001252048.2), dbSNP rs1787740370, ClinGen allele CA358082583.